The following is an entry in ClinVar:

NM_004364.5(CEBPA):c.110C>T (p.Ala37Val)

Gene: CEBPA (CCAAT enhancer binding protein alpha; minus strand). Cytogenetic location: 19q13.11.
Variant type: single nucleotide variant.
Coding change: c.110C>T on transcript NM_004364.5 (MANE Select); coding-DNA position 110, C replaced by T.
Protein change: p.Ala37Val; replaces alanine 37 with valine.
Molecular consequence: missense variant. On other transcripts: 5 prime UTR variant (1).
Genome position (GRCh38, 1-based): chr19:33,302,305, G>A on the plus strand (C>T on the coding strand, the complement: CEBPA is on the minus strand). VCF-style: chr19-33302305-G-A. GRCh37 (hg19) VCF-style: chr19-33793211-G-A.
Other names: c.-248C>T (NM_001285829.2); c.215C>T, p.Ala72Val (NM_001287424.2); c.68C>T, p.Ala23Val (NM_001287435.2); short protein forms A37V, A23V, A72V.
Identifiers: ClinVar variation 2882903 (VCV002882903.4), dbSNP rs1967199569, ClinGen allele CA405275653.

ClinVar aggregate classification (germline): Uncertain significance. Review status: criteria provided, multiple submitters, no conflicts (2 of 4 stars). 2 submissions from 2 submitters: Uncertain significance (2). Last evaluated 2025-08-25.

Conditions:
Acute myeloid leukemia (AML). Also called: Acute myeloid leukemia, adult; AML adult; Acute non-lymphocytic leukemia; Acute granulocytic leukemia; Leukemia, acute myeloid, somatic; Leukemia, acute myelogenous, somatic. Identifiers: Orphanet 519, MedGen C0023467, MeSH D015470, MONDO:0018874, OMIM 601626, HP:0004808. Disease mechanism: Constitutively activated FLT3.
Inborn genetic diseases. Identifiers: MedGen C0950123, MeSH D030342.

Submissions (2):

Ambry Genetics
Classification: Uncertain significance for Inborn genetic diseases. Last evaluated: 2025-08-25. Review status: criteria provided, single submitter. Criteria: Ambry Variant Classification Scheme 2023. Collection method: clinical testing. Allele origin: germline.
Comment: The p.A37V variant (also known as c.110C>T), located in coding exon 1 of the CEBPA gene, results from a C to T substitution at nucleotide position 110. The alanine at codon 37 is replaced by valine, an amino acid with similar properties. This amino acid position is conserved. In addition, this alteration is predicted to be tolerated by in silico analysis. Based on the available evidence, the clinical significance of this variant remains unclear.

Labcorp Genetics (formerly Invitae), Labcorp
Classification: Uncertain significance for Acute myeloid leukemia. Last evaluated: 2023-05-19. Review status: criteria provided, single submitter. Criteria: Invitae Variant Classification Sherloc (09022015). Collection method: clinical testing. Allele origin: germline.
Comment: In summary, the available evidence is currently insufficient to determine the role of this variant in disease. Therefore, it has been classified as a Variant of Uncertain Significance. An algorithm developed to predict the effect of missense changes on protein structure and function (PolyPhen-2) suggests that this variant is likely to be tolerated. This variant has not been reported in the literature in individuals affected with CEBPA-related conditions. This variant is not present in population databases (gnomAD no frequency). This sequence change replaces alanine, which is neutral and non-polar, with valine, which is neutral and non-polar, at codon 37 of the CEBPA protein (p.Ala37Val).